The following is an entry in ClinVar:

ClinVar aggregate classification (germline): Likely benign (1 of 4 stars; one submission).

Submission:

Mayo Clinic Laboratories, Mayo Clinic
Classification: Likely benign. Last evaluated: 2025-01-02. Review status: criteria provided, single submitter. Criteria: ACMG Guidelines, 2015. Collection method: clinical testing. Allele origin: germline. Observed: 1 variant allele.
Comment: BP4, BP7

NM_001346249.2(RALGAPA1):c.7622-11dup

Gene: RALGAPA1 (Ral GTPase activating protein catalytic subunit alpha 1; minus strand). Cytogenetic location: 14q13.2.
Variant type: Duplication.
Coding change: c.7622-11dup on transcript NM_001346249.2 (MANE Select); 11 bases into the intron before coding-DNA position 7622, one base duplicated (T; older notation c.7622-11dupT).
Molecular consequence: intron variant.
Genome position (GRCh38, 1-based): chr14:35,548,549, A duplicated on the plus strand (T on the coding strand, the reverse complement: RALGAPA1 is on the minus strand); the first of 4 consecutive A bases (chr14:35,548,549-35,548,552); duplicating any one gives the same sequence. VCF-style (leftmost placement, unchanged base first): chr14-35548548-G-GA. GRCh37 (hg19) VCF-style: chr14-36017754-G-GA.
Other names: p.=; c.6103+561dup (NM_194301.4, NM_001346246.2); c.6104-11dup (NM_014990.3, NM_001346243.2); c.6143-11dup (NM_001283043.3); c.7481-11dup (NM_001330075.3, NM_001346248.2); c.6244+561dup (NM_001346247.2); c.6245-11dup (NM_001283044.3, NM_001346245.2).
Identifiers: ClinVar variation 4683846 (VCV004683846.1).